The following is an entry in ClinVar:

NM_001267550.2(TTN):c.22018G>A (p.Val7340Ile)

Gene: TTN (titin; minus strand). Cytogenetic location: 2q31.2.
Variant type: single nucleotide variant.
Coding change: c.22018G>A on transcript NM_001267550.2 (MANE Select); coding-DNA position 22018, G replaced by A.
Protein change: p.Val7340Ile; replaces valine 7340 with isoleucine.
Molecular consequence: missense variant. On other transcripts: intron variant (3).
Genome position (GRCh38, 1-based): chr2:178,722,881, C>T on the plus strand (G>A on the coding strand, the complement: TTN is on the minus strand). VCF-style: chr2-178722881-C-T. GRCh37 (hg19) VCF-style: chr2-179587608-C-T.
Other names: c.21067G>A, p.Val7023Ile (NM_001256850.1); c.18286G>A, p.Val6096Ile (NM_133378.4); c.13282+15201G>A (NM_003319.4); c.13858+15201G>A (NM_133437.4); c.13657+15201G>A (NM_133432.3); short protein forms V6096I, V7340I, V7023I.
Identifiers: ClinVar variation 592737 (VCV000592737.10), dbSNP rs566468573, ClinGen allele CA2000904.
Genomic context (GRCh38, chr2:178,722,881, plus strand): 5'-CTCCTTTGTACCAAGACACTGTAATTTCTGGTGTCCCAGCAACTTGGCATTGTAAAGAAA[C>T]CGAATCTCCAACTGCTGCCTCCAGAGGTTCCAGTTCCGTAACAAAATAAGGCGGTTCTAA-3'
Protein context (NP_001254479.2, residues 7330-7350): EPLEAAVGDS[Val7340Ile]SLQCQVAGTP

ClinVar aggregate classification (germline): Uncertain significance. Review status: criteria provided, multiple submitters, no conflicts (2 of 4 stars). 4 submissions from 4 submitters: Uncertain significance (3). 1 of the submissions does not count toward it. Last evaluated 2026-09-01.

Conditions:
TTN-related disorder. Also called: TTN-related condition; TTN-related disease; TTN-related disorders.

Allele frequency attached by ClinVar (database versions not stated): gnomAD 0.00001; TOPMed 0.00001; gnomAD exomes 0.00005 and 0.00011; ExAC 0.00008.
gnomAD v4.1: 85 of 1,612,854 alleles (0.0053%); highest among the groups gnomAD compares: South Asian, 0.068%; no homozygotes.

Submissions (4):

CeGaT Center for Human Genetics Tuebingen
Classification: Uncertain significance. Last evaluated: 2026-09-01. Review status: criteria provided, single submitter. Criteria: CeGaT Center For Human Genetics Tuebingen Variant Classification Criteria Version 2. Collection method: clinical testing. Allele origin: germline. Affected: yes. Observed: 2 variant alleles.
Comment: TTN: PM2, BP4

Revvity Omics, Revvity
Classification: Uncertain significance. Last evaluated: 2023-08-03. Review status: criteria provided, single submitter. Criteria: ACMG Guidelines, 2015. Collection method: clinical testing. Allele origin: germline.

Eurofins Ntd Llc (ga)
Classification: Uncertain significance. Last evaluated: 2017-09-19. Review status: criteria provided, single submitter. Criteria: EGL Classification Definitions 2015. Collection method: clinical testing. Allele origin: germline. Observed: 2 variant alleles, 2 heterozygotes.

PreventionGenetics, part of Exact Sciences
Classification: Uncertain significance for TTN-related condition. Last evaluated: 2024-07-15. Review status: no assertion criteria provided. Collection method: clinical testing. Allele origin: germline. Not counted in ClinVar's aggregate classification.
Comment: The TTN c.22018G>A variant is predicted to result in the amino acid substitution p.Val7340Ile. To our knowledge, this variant has not been reported in the literature. This variant is reported in 0.069% of alleles in individuals of South Asian descent in gnomAD. Although we suspect that this variant may be benign, at this time, the clinical significance of this variant is uncertain due to the absence of conclusive functional and genetic evidence.